The following is an entry in ClinVar:

ClinVar aggregate classification (germline): Likely pathogenic (1 of 4 stars; one submission).

Conditions:
Neurodevelopmental disorder with hypotonia, impaired speech, and behavioral abnormalities (NEDHISB). Also called: GNAI1-Related Neurodevelopmental Disorder. Identifiers: MedGen C5676975, MONDO:0859243, OMIM 619854.

Submission:

Clinical Genetics Laboratory, University Hospital Schleswig-Holstein
Classification: Likely pathogenic for Neurodevelopmental disorder with hypotonia, impaired speech, and behavioral abnormalities. Last evaluated: 2025-01-14. Review status: criteria provided, single submitter. Criteria: ACMG Guidelines, 2015. Collection method: clinical testing. Allele origin: germline. Affected: yes.
Comment: ACMG criteria applied: PM2, PP3, PM5, PP2

NM_002069.6(GNAI1):c.518A>G (p.Asp173Gly)

Gene: GNAI1 (G protein subunit alpha i1; plus strand). Cytogenetic location: 7q21.11.
Variant type: single nucleotide variant.
Coding change: c.518A>G on transcript NM_002069.6 (MANE Select); coding-DNA position 518, A replaced by G.
Protein change: p.Asp173Gly; replaces aspartic acid 173 with glycine.
Molecular consequence: missense variant.
Genome position (GRCh38, 1-based): chr7:80,203,760, A>G. VCF-style: chr7-80203760-A-G. GRCh37 (hg19) VCF-style: chr7-79833076-A-G.
Other names: c.362A>G, p.Asp121Gly (NM_001256414.2); short protein forms D121G, D173G.
Identifiers: ClinVar variation 5042003 (VCV005042003.1).